The following is an entry in ClinVar:

NM_005609.4(PYGM):c.1568T>C (p.Leu523Pro)

Gene: PYGM (glycogen phosphorylase, muscle associated; minus strand). Cytogenetic location: 11q13.1.
Variant type: single nucleotide variant.
Coding change: c.1568T>C on transcript NM_005609.4 (MANE Select); coding-DNA position 1568, T replaced by C.
Protein change: p.Leu523Pro; replaces leucine 523 with proline.
Molecular consequence: missense variant.
Genome position (GRCh38, 1-based): chr11:64,752,455, A>G on the plus strand (T>C on the coding strand, the complement: PYGM is on the minus strand). VCF-style: chr11-64752455-A-G. GRCh37 (hg19) VCF-style: chr11-64519927-A-G.
Other names: c.1304T>C, p.Leu435Pro (NM_001164716.1); short protein forms L523P, L435P.
Identifiers: ClinVar variation 2191821 (VCV002191821.4), dbSNP rs2496653538, ClinGen allele CA381173853.

ClinVar aggregate classification (germline): Uncertain significance (1 of 4 stars; one submission).

Conditions:
Glycogen storage disease, type V (GSD5). Also called: McArdle type glycogen storage disease; MCARDLE DISEASE; MUSCLE GLYCOGEN PHOSPHORYLASE DEFICIENCY; MYOPHOSPHORYLASE DEFICIENCY; PYGM DEFICIENCY. Identifiers: Orphanet 368, MedGen C0017924, MONDO:0009293, OMIM 232600.

Allele frequency attached by ClinVar (database versions not stated): gnomAD exomes below 0.00001.
gnomAD v4.1: 1 of 1,614,220 alleles (0.000062%); highest among the groups gnomAD compares: East Asian, 0.0022%; no homozygotes.

Submission:

Labcorp Genetics (formerly Invitae), Labcorp
Classification: Uncertain significance for Glycogen storage disease, type V. Last evaluated: 2023-10-13. Review status: criteria provided, single submitter. Criteria: Invitae Variant Classification Sherloc (09022015). Collection method: clinical testing. Allele origin: germline.
Comment: This sequence change replaces leucine, which is neutral and non-polar, with proline, which is neutral and non-polar, at codon 523 of the PYGM protein (p.Leu523Pro). This variant is not present in population databases (gnomAD no frequency). This variant has not been reported in the literature in individuals affected with PYGM-related conditions. ClinVar contains an entry for this variant (Variation ID: 2191821). Advanced modeling of protein sequence and biophysical properties (such as structural, functional, and spatial information, amino acid conservation, physicochemical variation, residue mobility, and thermodynamic stability) has been performed at Invitae for this missense variant, however the output from this modeling did not meet the statistical confidence thresholds required to predict the impact of this variant on PYGM protein function. In summary, the available evidence is currently insufficient to determine the role of this variant in disease. Therefore, it has been classified as a Variant of Uncertain Significance.